The following is an entry in ClinVar:

NM_001430.5(EPAS1):c.2113A>G (p.Lys705Glu)

Gene: EPAS1 (endothelial PAS domain protein 1; plus strand). Cytogenetic location: 2p21.
Variant type: single nucleotide variant.
Coding change: c.2113A>G on transcript NM_001430.5 (MANE Select); coding-DNA position 2113, A replaced by G.
Protein change: p.Lys705Glu; replaces lysine 705 with glutamic acid.
Molecular consequence: missense variant.
Genome position (GRCh38, 1-based): chr2:46,381,663, A>G. VCF-style: chr2-46381663-A-G. GRCh37 (hg19) VCF-style: chr2-46608802-A-G.
Other names: short protein forms K705E.
Identifiers: ClinVar variation 895930 (VCV000895930.7), dbSNP rs759045547, ClinGen allele CA1645222.

ClinVar aggregate classification (germline): Conflicting classifications of pathogenicity. Review status: criteria provided, conflicting classifications (1 of 4 stars). 3 submissions from 3 submitters: Uncertain significance (1); Benign (1); Likely benign (1). Last evaluated 2021-09-08.

Conditions:
Inborn genetic diseases. Identifiers: MedGen C0950123, MeSH D030342.
Erythrocytosis, familial, 4 (ECYT4). Identifiers: Orphanet 247511, MedGen C2673187, MONDO:0012729, OMIM 611783.

Allele frequency attached by ClinVar (database versions not stated): gnomAD below 0.00001 and 0.00001; ExAC 0.00006; gnomAD exomes 0.00004 and 0.00006.
gnomAD v4.1: 54 of 1,613,872 alleles (0.0033%); highest among the groups gnomAD compares: South Asian, 0.055%; 1 homozygote.

Submissions (3):

Ambry Genetics
Classification: Likely benign for Inborn genetic diseases. Last evaluated: 2021-09-08. Review status: criteria provided, single submitter. Criteria: Ambry Variant Classification Scheme 2023. Collection method: clinical testing. Allele origin: germline.

Department of Pathology and Laboratory Medicine, Sinai Health System
Classification: Uncertain significance for Erythrocytosis, familial, 4. Last evaluated: 2021-07-30. Review status: criteria provided, single submitter. Criteria: ACMG Guidelines, 2015. Collection method: research. Allele origin: germline.

Illumina Laboratory Services, Illumina
Classification: Benign for Erythrocytosis, familial, 4. Last evaluated: 2018-01-12. Review status: criteria provided, single submitter. Criteria: ICSL Variant Classification Criteria 13 December 2019. Collection method: clinical testing. Allele origin: germline.
Comment: This variant was observed in the ICSL laboratory as part of a predisposition screen in an ostensibly healthy population. It had not been previously curated by ICSL or reported in the Human Gene Mutation Database (HGMD: prior to June 1st, 2018), and was therefore a candidate for classification through an automated scoring system. Utilizing variant allele frequency, disease prevalence and penetrance estimates, and inheritance mode, an automated score was calculated to assess if this variant is too frequent to cause the disease. Based on the score and internal cut-off values, a variant classified as benign is not then subjected to further curation. The score for this variant resulted in a classification of benign for this disease.